The following is an entry in ClinVar:

ClinVar aggregate classification (germline): Benign (1 of 4 stars; one submission).

Allele frequency attached by ClinVar (database versions not stated): gnomAD 0.02596 and 0.02793; 1000 Genomes Project 0.02915; TOPMed 0.02962; 1000 Genomes Project 30x 0.03404.
gnomAD v4.1: 3,910 of 152,318 alleles (2.6%); highest among the groups gnomAD compares: African/African-American, 8.9%; 165 homozygotes.

Submission:

GeneDx
Classification: Benign. Last evaluated: 2018-06-18. Review status: criteria provided, single submitter. Criteria: GeneDx Variant Classification (06012015). Collection method: clinical testing. Allele origin: germline. Affected: yes.
Comment: This variant is considered likely benign or benign based on one or more of the following criteria: it is a conservative change, it occurs at a poorly conserved position in the protein, it is predicted to be benign by multiple in silico algorithms, and/or has population frequency not consistent with disease.

NM_001035.3(RYR2):c.6167-294A>G

Gene: RYR2 (ryanodine receptor 2; plus strand). Cytogenetic location: 1q43.
Variant type: single nucleotide variant.
Coding change: c.6167-294A>G on transcript NM_001035.3 (MANE Select); 294 bases into the intron before coding-DNA position 6167, A replaced by G.
Molecular consequence: intron variant.
Genome position (GRCh38, 1-based): chr1:237,627,513, A>G. VCF-style: chr1-237627513-A-G. GRCh37 (hg19) VCF-style: chr1-237790813-A-G.
Identifiers: ClinVar variation 669597 (VCV000669597.1), dbSNP rs59905485, ClinGen allele CA39839353.